The following is an entry in ClinVar:

NM_001127222.2(CACNA1A):c.1782-2A>C

Gene: CACNA1A (calcium voltage-gated channel subunit alpha1 A; minus strand). Cytogenetic location: 19p13.13.
Variant type: single nucleotide variant.
Coding change: c.1782-2A>C on transcript NM_001127222.2 (MANE Select); the canonical splice acceptor site of the intron before coding-DNA position 1782, A replaced by C.
Molecular consequence: splice acceptor variant.
Genome position (GRCh38, 1-based): chr19:13,308,253, T>G on the plus strand (A>C on the coding strand, the complement: CACNA1A is on the minus strand). VCF-style: chr19-13308253-T-G. GRCh37 (hg19) VCF-style: chr19-13419067-T-G.
Other names: c.1785-2A>C (NM_001127221.2, NM_001174080.2, NM_000068.4 and 1 more transcripts).
Identifiers: ClinVar variation 4530575 (VCV004530575.1).

ClinVar aggregate classification (germline): Likely pathogenic (1 of 4 stars; one submission).

Conditions:
Episodic ataxia type 2 (EA2). Also called: ACETAZOLAMIDE-RESPONSIVE HEREDITARY PAROXYSMAL CEREBELLAR ATAXIA; ATAXIA, EPISODIC, WITH NYSTAGMUS; ATAXIA, FAMILIAL PAROXYSMAL; CEREBELLAR ATAXIA, PAROXYSMAL, ACETAZOLAMIDE-RESPONSIVE; CEREBELLOPATHY, HEREDITARY PAROXYSMAL; EPISODIC ATAXIA, NYSTAGMUS-ASSOCIATED. Identifiers: Orphanet 97, MedGen C1720416, MONDO:0007163, OMIM 108500.

Submission:

Institute of Human Genetics, University of Leipzig Medical Center
Classification: Likely pathogenic for Episodic ataxia type 2. Last evaluated: 2025-10-14. Review status: criteria provided, single submitter. Criteria: ACMG Guidelines, 2015. Collection method: clinical testing. Allele origin: unknown. Inheritance: Autosomal dominant inheritance. Affected: yes.
Comment: Criteria applied: PVS1_STR,PM2,PS1_SUP